The following is an entry in ClinVar:

ClinVar aggregate classification (germline): Uncertain significance (1 of 4 stars; one submission).

Conditions:
Cardiovascular phenotype. Identifiers: MedGen CN230736.

Allele frequency attached by ClinVar (database versions not stated): gnomAD 0.00001; TOPMed 0.00001.

Submission:

Ambry Genetics
Classification: Uncertain significance for Cardiovascular phenotype. Last evaluated: 2022-04-09. Review status: criteria provided, single submitter. Criteria: Ambry Variant Classification Scheme 2023. Collection method: clinical testing. Allele origin: germline.
Comment: The p.G32R variant (also known as c.94G>A), located in coding exon 3 of the TRPM4 gene, results from a G to A substitution at nucleotide position 94. The glycine at codon 32 is replaced by arginine, an amino acid with dissimilar properties. This amino acid position is conserved. In addition, the in silico prediction for this alteration is inconclusive. Since supporting evidence is limited at this time, the clinical significance of this alteration remains unclear.

NM_017636.4(TRPM4):c.94G>A (p.Gly32Arg)

Gene: TRPM4 (transient receptor potential cation channel subfamily M member 4; plus strand). Cytogenetic location: 19q13.33.
Variant type: single nucleotide variant.
Coding change: c.94G>A on transcript NM_017636.4 (MANE Select); coding-DNA position 94, G replaced by A.
Protein change: p.Gly32Arg; replaces glycine 32 with arginine.
Molecular consequence: missense variant. On other transcripts: 5 prime UTR variant (1), intron variant (2).
Genome position (GRCh38, 1-based): chr19:49,166,042, G>A. VCF-style: chr19-49166042-G-A. GRCh37 (hg19) VCF-style: chr19-49669299-G-A.
Other names: c.94G>A, p.Gly32Arg (NM_001195227.2, NM_001321281.2); c.-1279G>A (NM_001321282.2); c.-74-2218G>A (NM_001321283.2); c.-237-2511G>A (NM_001321285.2); short protein forms G32R.
Identifiers: ClinVar variation 1767173 (VCV001767173.2), dbSNP rs1216651490, ClinGen allele CA406789292.